The following is an entry in ClinVar:

NM_003978.5(PSTPIP1):c.688G>A (p.Ala230Thr)

Gene: PSTPIP1 (proline-serine-threonine phosphatase interacting protein 1; plus strand). Cytogenetic location: 15q24.3.
Variant type: single nucleotide variant.
Coding change: c.688G>A on transcript NM_003978.5 (MANE Select); coding-DNA position 688, G replaced by A.
Protein change: p.Ala230Thr; replaces alanine 230 with threonine.
Molecular consequence: missense variant. On other transcripts: non-coding transcript variant (1).
Genome position (GRCh38, 1-based): chr15:77,031,225, G>A. VCF-style: chr15-77031225-G-A. GRCh37 (hg19) VCF-style: chr15-77323566-G-A.
Other names: c.688G>A (NM_003978.4); c.688G>A, p.Ala230Thr (NM_001321135.2); c.661G>A, p.Ala221Thr (NM_001321136.2); c.883G>A, p.Ala295Thr (NM_001321137.1); short protein forms A230T, A221T, A295T.
Identifiers: ClinVar variation 4435 (VCV000004435.55), dbSNP rs121908130, ClinGen allele CA116855.
Genomic context (GRCh38, chr15:77,031,225, plus strand): 5'-TCCCACTGCCCCCAGGCCTTTCAGCTGCAAGAGTTTGACCGGCTGACCATTCTCCGCAAC[G>A]CCCTGTGGGTGCACAGCAACCAGCTCTCCATGCAGTGTGTCAAGGATGATGAGGTGGGGG-3'
Protein context (NP_003969.2, residues 220-240): EFDRLTILRN[Ala230Thr]LWVHSNQLSM

ClinVar aggregate classification (germline): Pathogenic. Review status: criteria provided, multiple submitters, no conflicts (2 of 4 stars). 10 submissions from 10 submitters: Pathogenic (7). 3 of the submissions do not count toward it. Last evaluated 2024-04-29.

Conditions:
PSTPIP1-related disorder. Also called: PSTPIP1-related condition.
Pyogenic arthritis-pyoderma gangrenosum-acne syndrome (PAPA). Also called: FAMILIAL RECURRENT ARTHRITIS; PAPA SYNDROME. Identifiers: Orphanet 69126, MedGen C1858361, MONDO:0011462, OMIM 604416.

Allele frequency attached by ClinVar (database versions not stated): gnomAD exomes below 0.00001; TOPMed below 0.00001.
gnomAD v4.1: 1 of 1,613,048 alleles (0.000062%); highest among the groups gnomAD compares: South Asian, 0.0011%; no homozygotes.

Submissions (10):

Labcorp Genetics (formerly Invitae), Labcorp
Classification: Pathogenic for Pyogenic arthritis-pyoderma gangrenosum-acne syndrome. Last evaluated: 2024-04-29. Review status: criteria provided, single submitter. Criteria: Invitae Variant Classification Sherloc (09022015). Collection method: clinical testing. Allele origin: germline.
Comment: This sequence change replaces alanine, which is neutral and non-polar, with threonine, which is neutral and polar, at codon 230 of the PSTPIP1 protein (p.Ala230Thr). This variant is not present in population databases (gnomAD no frequency). This missense change has been observed in individuals with PAPA syndrome (pyogenic sterile arthritis, pyoderma gangrenosum, and acne) (PMID: 11971877, 15580218, 19673875, 22161697, 22513199, 26025129). It has also been observed to segregate with disease in related individuals. This variant is also known as c.904G>A. ClinVar contains an entry for this variant (Variation ID: 4435). Advanced modeling of protein sequence and biophysical properties (such as structural, functional, and spatial information, amino acid conservation, physicochemical variation, residue mobility, and thermodynamic stability) performed at Invitae indicates that this missense variant is not expected to disrupt PSTPIP1 protein function with a negative predictive value of 80%. Experimental studies have shown that this missense change affects PSTPIP1 function (PMID: 11971877, 14595024, 19934105, 20506269). For these reasons, this variant has been classified as Pathogenic.

GeneDx
Classification: Pathogenic. Last evaluated: 2023-10-05. Review status: criteria provided, single submitter. Criteria: GeneDx Variant Classification Process June 2021. Collection method: clinical testing. Allele origin: germline. Affected: yes.
Comment: Published functional studies demonstrate increased pyrin binding and hyperphosphorrylation as well as increased IL-1b secretion (Wang et al., 2013; Samukawa et al., 2021); Not observed at significant frequency in large population cohorts (gnomAD); In silico analysis supports that this missense variant does not alter protein structure/function; This variant is associated with the following publications: (PMID: 16738958, 21438098, 24421327, 25040622, 26025129, 23426477, 17213252, 21790734, 25845478, 22878270, 35152348, 20506269, 34880353, 34262554, 34620178, 19934105, 34745107, 33218716, 28696038, 33338535, 34492165, 29148036, 34435004, 28236224, 35840971, 31471736, 28421071, 19673875, 15580218, 22513199, 28243699, 31139187, 11971877, 21325428, 22161697, 30467586, 34938582, 14595024, 17964261, 19584923, 23293022)

Blueprint Genetics
Classification: Pathogenic for PSTPIP1-related disorders. Last evaluated: 2023-08-03. Review status: criteria provided, single submitter. Criteria: ACMG Guidelines, 2015. Collection method: clinical testing. Allele origin: germline. Affected: yes. Observed: 2 variant alleles.

PreventionGenetics, part of Exact Sciences
Classification: Pathogenic for PSTPIP1-related condition. Last evaluated: 2022-12-18. Review status: criteria provided, single submitter. Criteria: ACMG Guidelines, 2015. Collection method: clinical testing. Allele origin: germline.
Comment: The PSTPIP1 c.688G>A variant is predicted to result in the amino acid substitution p.Ala230Thr. In the literature, this variant is also referred to as 904G>A or G904A. This variant has been reported in individuals with pyogenic sterile arthritis, pyoderma gangrenosum, and acne (PAPA) syndrome (Wise et al. 2002. PubMed ID: 11971877; Cortesio et al. 2010. PubMed ID: 20506269; Demidowich et al. 2011. PubMed ID: 22161697). Of note, this variant was shown to segregate with disease in affected families (Wise et al. 2002. PubMed ID: 11971877). Yeast two-hybrid assays showed that this variant lead to severely reduced binding ability of the protein (Wise et al. 2002. PubMed ID: 11971877). Additional function studies showed that this variant lead to defects in mononuclear cell podosome formation and migration of macrophages (Cortesio et al. 2010. PubMed ID: 20506269). This variant has not been reported in a large population database, indicating this variant is rare, and is interpreted as pathogenic in ClinVar by several laboratories. This variant is interpreted as pathogenic.

Center for Genomics, Ann and Robert H. Lurie Children's Hospital of Chicago
Classification: Pathogenic for Pyogenic arthritis-pyoderma gangrenosum-acne syndrome. Last evaluated: 2021-03-30. Review status: criteria provided, single submitter. Criteria: ACMG Guidelines, 2015. Collection method: clinical testing. Allele origin: germline.
Comment: PSTPIP1 NM_003978.4 exon 10 .pAla230Thr (c.688G>A): This variant has been reported in the literature in at least 5 individuals with Pyogenic Arthritis, Pyoderma gangrenosum and Acne syndrome (PAPA), segregating with disease in 10 affected family members (Wise 2002 PMID:11971877, Cortesio 2010 PMID:20506269, Demidowich 2012 PMID:22161697, Schaffler 2019 PMID:30467586). This variant is not present in large control databases. This variant is present in ClinVar, with two labs classifying this variant as pathogenic (Variation ID:4435). Evolutionary conservation for this variant is unclear; computational predictive tools suggest that this variant may not impact the protein. In vitro and in vivo (mouse) functional studies support that this variant will impact the protein, suggesting impaired binding to PTP-PEST (Wise 2002 PMID:11971877, Cortesio 2010 PMID:20506269, Wang 2013 PMID:23293022). In summary, this variant is classified as pathogenic.

CeGaT Center for Human Genetics Tuebingen
Classification: Pathogenic. Last evaluated: 2020-10-01. Review status: criteria provided, single submitter. Criteria: CeGaT Center For Human Genetics Tuebingen Variant Classification Criteria Version 2. Collection method: clinical testing. Allele origin: germline. Affected: yes. Observed: 1 variant allele.

Kasturba Medical College, Manipal, Kasturba Medical College, Manipal, Manipal Academy of Higher Education, Manipal, India
Classification: Pathogenic for Pyogenic arthritis-pyoderma gangrenosum-acne syndrome. Review status: criteria provided, single submitter. Criteria: ACMG Guidelines, 2015. Collection method: clinical testing. Allele origin: germline. Affected: yes.

OMIM
Classification: Pathogenic for PYOGENIC STERILE ARTHRITIS, PYODERMA GANGRENOSUM, AND ACNE. Last evaluated: 2002-04-15. Review status: no assertion criteria provided. Collection method: literature only. Allele origin: germline. Not counted in ClinVar's aggregate classification.

Genome Diagnostics Laboratory, University Medical Center Utrecht
Classification: Pathogenic. Review status: no assertion criteria provided. Collection method: clinical testing. Allele origin: germline. Affected: yes. Study: VKGL Data-share Consensus. Not counted in ClinVar's aggregate classification.

Joint Genome Diagnostic Labs from Nijmegen and Maastricht, Radboudumc and MUMC+
Classification: Pathogenic. Review status: no assertion criteria provided. Collection method: clinical testing. Allele origin: germline. Affected: yes. Study: VKGL Data-share Consensus. Not counted in ClinVar's aggregate classification.

Literature cited by the submitters: PubMed 11971877 (cited by Labcorp Genetics (formerly Invitae), Labcorp and OMIM); PubMed 15580218 (cited by Labcorp Genetics (formerly Invitae), Labcorp); PubMed 19673875 (cited by Labcorp Genetics (formerly Invitae), Labcorp); PubMed 22161697 (cited by Labcorp Genetics (formerly Invitae), Labcorp and OMIM); PubMed 22513199 (cited by Labcorp Genetics (formerly Invitae), Labcorp); PubMed 26025129 (cited by Labcorp Genetics (formerly Invitae), Labcorp); PubMed 14595024 (cited by Labcorp Genetics (formerly Invitae), Labcorp); PubMed 19934105 (cited by Labcorp Genetics (formerly Invitae), Labcorp); PubMed 20506269 (cited by Labcorp Genetics (formerly Invitae), Labcorp); PubMed 28251506 (cited by OMIM).